The following is an entry in ClinVar:

ClinVar aggregate classification (germline): Likely benign. Review status: criteria provided, multiple submitters, no conflicts (2 of 4 stars). 2 submissions from 2 submitters: Likely benign (2). Last evaluated 2025-06-29.

Conditions:
BRAF-related disorder. Also called: BRAF-related condition.
RASopathy. Also called: rasopathies; Noonan spectrum disorder. Identifiers: Orphanet 536391, MedGen C5555857, MONDO:0021060.

Submissions (2):

Labcorp Genetics (formerly Invitae), Labcorp
Classification: Likely benign for RASopathy. Last evaluated: 2025-06-29. Review status: criteria provided, single submitter. Criteria: Invitae Variant Classification Sherloc (09022015). Collection method: clinical testing. Allele origin: germline.

PreventionGenetics, part of Exact Sciences
Classification: Likely benign for BRAF-related condition. Last evaluated: 2025-06-24. Review status: criteria provided, single submitter. Criteria: ACMG Guidelines, 2015. Collection method: clinical testing. Allele origin: germline.
Comment: This variant is classified as likely benign based on ACMG/AMP sequence variant interpretation guidelines (Richards et al. 2015 PMID: 25741868, with internal and published modifications).

NM_004333.6(BRAF):c.90C>T (p.Gly30=)

Gene: BRAF (B-Raf proto-oncogene, serine/threonine kinase; minus strand). Cytogenetic location: 7q34.
Variant type: single nucleotide variant.
Coding change: c.90C>T on transcript NM_004333.6 (MANE Select); coding-DNA position 90, C replaced by T.
Protein change: p.Gly30=; no amino-acid change (glycine 30 retained).
Molecular consequence: synonymous variant.
Genome position (GRCh38, 1-based): chr7:140,924,614, G>A on the plus strand (C>T on the coding strand, the complement: BRAF is on the minus strand). VCF-style: chr7-140924614-G-A. GRCh37 (hg19) VCF-style: chr7-140624414-G-A.
Other names: c.90C>T, p.Gly30= (NM_001354609.2, NM_001374244.1, NM_001374258.1 and 7 more transcripts).
Identifiers: ClinVar variation 4711437 (VCV004711437.2).